The following is an entry in ClinVar:

ClinVar aggregate classification (germline): Uncertain significance. Review status: criteria provided, multiple submitters, no conflicts (2 of 4 stars). 2 submissions from 2 submitters: Uncertain significance (2). Last evaluated 2025-11-10.

Conditions:
Hereditary cancer-predisposing syndrome. Also called: Hereditary neoplastic syndrome; Neoplastic Syndromes, Hereditary; Hereditary Cancer Syndrome; Tumor predisposition. Identifiers: Orphanet 140162, MedGen C0027672, MeSH D009386, MONDO:0015356.
Neuroblastoma, susceptibility to, 3. Also called: ALK-Related Neuroblastic Tumor Susceptibility. Identifiers: Orphanet 635, MedGen C2751681, MONDO:0013083, OMIM 613014.

Submissions (2):

Labcorp Genetics (formerly Invitae), Labcorp
Classification: Uncertain significance for Neuroblastoma, susceptibility to, 3. Last evaluated: 2025-11-10. Review status: criteria provided, single submitter. Criteria: Invitae Variant Classification Sherloc (09022015). Collection method: clinical testing. Allele origin: germline.
Comment: This sequence change replaces glutamic acid, which is acidic and polar, with valine, which is neutral and non-polar, at codon 1558 of the ALK protein (p.Glu1558Val). Information on the frequency of this variant in the gnomAD database is not available, as this variant may be reported differently in the database. This variant has not been reported in the literature in individuals affected with ALK-related conditions. ClinVar contains an entry for this variant (Variation ID: 1413932). An algorithm developed to predict the effect of missense changes on protein structure and function (PolyPhen-2) suggests that this variant is likely to be disruptive. In summary, the available evidence is currently insufficient to determine the role of this variant in disease. Therefore, it has been classified as a Variant of Uncertain Significance.

Ambry Genetics
Classification: Uncertain significance for Hereditary cancer-predisposing syndrome. Last evaluated: 2025-07-15. Review status: criteria provided, single submitter. Criteria: Ambry Variant Classification Scheme 2023. Collection method: clinical testing. Allele origin: germline.
Comment: The c.4673_4674delAGinsTC variant (also known as p.E1558V), located in coding exon 29 of the ALK gene, results from an in-frame deletion of AG and insertion of TC at nucleotide positions 4673 to 4674. This results in the substitution of the glutamic acid residue for a valine residue at codon 1558, an amino acid with dissimilar properties. This amino acid position is highly conserved in available vertebrate species. In addition, this alteration is predicted to be tolerated by in silico analysis. Based on the available evidence, the clinical significance of this variant remains unclear.

NM_004304.5(ALK):c.4673_4674delinsTC (p.Glu1558Val)

Gene: ALK (ALK receptor tyrosine kinase; minus strand). Cytogenetic location: 2p23.2.
Variant type: Indel.
Coding change: c.4673_4674delinsTC on transcript NM_004304.5 (MANE Select); coding-DNA positions 4673 to 4674, AG replaced by TC.
Protein change: p.Glu1558Val; replaces glutamic acid 1558 with valine.
Molecular consequence: missense variant.
Genome position (GRCh38, 1-based): chr2:29,193,413-29,193,414, CT replaced by GA on the plus strand (AG replaced by TC on the coding strand, the reverse complement: ALK is on the minus strand). VCF-style: chr2-29193413-CT-GA. GRCh37 (hg19) VCF-style: chr2-29416279-CT-GA.
Other names: c.1469_1470delinsTC, p.Glu490Val (NM_001353765.2); c.4673_4674delAGinsTC (NM_004304.4); short protein forms E490V, E1558V.
Identifiers: ClinVar variation 1413932 (VCV001413932.9), dbSNP rs2148137555, ClinGen allele CA2573134628.